The following is an entry in ClinVar:

NM_198239.2(CCN6):c.667T>G (p.Cys223Gly)

Gene: CCN6 (cellular communication network factor 6; plus strand). Cytogenetic location: 6q21.
Variant type: single nucleotide variant.
Coding change: c.667T>G on transcript NM_198239.2 (MANE Select); coding-DNA position 667, T replaced by G.
Protein change: p.Cys223Gly; replaces cysteine 223 with glycine.
Molecular consequence: missense variant. On other transcripts: non-coding transcript variant (2).
Genome position (GRCh38, 1-based): chr6:112,068,282, T>G. VCF-style: chr6-112068282-T-G. GRCh37 (hg19) VCF-style: chr6-112389485-T-G.
Other names: c.667T>G, p.Cys223Gly (NM_003880.4); short protein forms C223G.
Identifiers: ClinVar variation 1804751 (VCV001804751.4), dbSNP rs782813346, ClinGen allele CA365374625.

ClinVar aggregate classification (germline): Pathogenic. Review status: criteria provided, multiple submitters, no conflicts (2 of 4 stars). 2 submissions from 2 submitters: Pathogenic (2). Last evaluated 2023-01-17.

Conditions:
Progressive pseudorheumatoid dysplasia (PPRD). Also called: SPONDYLOEPIPHYSEAL DYSPLASIA TARDA WITH PROGRESSIVE ARTHROPATHY; Progressive Pseudorheumatoid Arthropathy of Childhood. Identifiers: Orphanet 1159, MedGen C0432215, MONDO:0008827, OMIM 208230. Disease mechanism: loss of function.

Allele frequency attached by ClinVar (database versions not stated): gnomAD 0.00001.
gnomAD v4.1: 4 of 1,612,698 alleles (0.00025%); highest among the groups gnomAD compares: East Asian, 0.0022%; no homozygotes.

Submissions (2):

Labcorp Genetics (formerly Invitae), Labcorp
Classification: Pathogenic. Last evaluated: 2023-01-17. Review status: criteria provided, single submitter. Criteria: Invitae Variant Classification Sherloc (09022015). Collection method: clinical testing. Allele origin: germline.
Comment: For these reasons, this variant has been classified as Pathogenic. Advanced modeling of protein sequence and biophysical properties (such as structural, functional, and spatial information, amino acid conservation, physicochemical variation, residue mobility, and thermodynamic stability) performed at Invitae indicates that this missense variant is expected to disrupt WISP3 protein function. This sequence change replaces cysteine, which is neutral and slightly polar, with glycine, which is neutral and non-polar, at codon 223 of the WISP3 protein (p.Cys223Gly). ClinVar contains an entry for this variant (Variation ID: 1804751). This missense change has been observed in individual(s) with progressive pseudorheumatoid dysplasia (PMID: 21993478, 25738435, 28018607). In at least one individual the data is consistent with being in trans (on the opposite chromosome) from a pathogenic variant. This variant is not present in population databases (gnomAD no frequency).

Women's Health and Genetics/Laboratory Corporation of America, LabCorp
Classification: Pathogenic for Progressive pseudorheumatoid dysplasia. Last evaluated: 2022-11-17. Review status: criteria provided, single submitter. Criteria: LabCorp Variant Classification Summary - May 2015. Collection method: clinical testing. Allele origin: germline.
Comment: Variant summary: CCN6 (WISP3) c.667T>G (p.Cys223Gly) results in a non-conservative amino acid change located in the TSP1 domain (IPR043973) of the encoded protein sequence. Five of five in-silico tools predict a damaging effect of the variant on protein function. The variant was absent in 250240 control chromosomes (gnomAD). c.667T>G has been reported in the literature as a biallelic genotype in multiple individuals affected with Progressive Pseudorheumatoid Dysplasia (e.g. Ye_2012, Yu_2015, Luo_2015, Al Kaissi_2017). These data indicate that the variant is very likely to be associated with disease. To our knowledge, no experimental evidence demonstrating an impact on protein function has been reported. No clinical diagnostic laboratories have submitted clinical-significance assessments for this variant to ClinVar after 2014. Based on the evidence outlined above, the variant was classified as pathogenic.

Literature cited by the submitters: PubMed 21993478 (cited by Labcorp Genetics (formerly Invitae), Labcorp and Women's Health and Genetics/Laboratory Corporation of America, LabCorp); PubMed 25738435 (cited by Labcorp Genetics (formerly Invitae), Labcorp and Women's Health and Genetics/Laboratory Corporation of America, LabCorp); PubMed 28018607 (cited by Labcorp Genetics (formerly Invitae), Labcorp); PubMed 28210640 (cited by Women's Health and Genetics/Laboratory Corporation of America, LabCorp); PubMed 25794430 (cited by Women's Health and Genetics/Laboratory Corporation of America, LabCorp).